The following is an entry in ClinVar:

ClinVar aggregate classification (germline): Uncertain significance (1 of 4 stars; one submission).

Submission:

Ambry Genetics
Classification: Uncertain significance. Last evaluated: 2024-06-23. Review status: criteria provided, single submitter. Criteria: Ambry Variant Classification Scheme 2023. Collection method: clinical testing. Allele origin: germline.
Comment: The p.F385S variant (also known as c.1154T>C), located in coding exon 3 of the TERF2IP gene, results from a T to C substitution at nucleotide position 1154. The phenylalanine at codon 385 is replaced by serine, an amino acid with highly dissimilar properties. This amino acid position is conserved. In addition, the in silico prediction for this alteration is inconclusive. Based on the available evidence, the clinical significance of this variant remains unclear.

NM_018975.4(TERF2IP):c.1154T>C (p.Phe385Ser)

Gene: TERF2IP (TERF2 interacting protein; plus strand). Cytogenetic location: 16q23.1.
Variant type: single nucleotide variant.
Coding change: c.1154T>C on transcript NM_018975.4 (MANE Select); coding-DNA position 1154, T replaced by C.
Protein change: p.Phe385Ser; replaces phenylalanine 385 with serine.
Molecular consequence: missense variant. On other transcripts: non-coding transcript variant (1).
Genome position (GRCh38, 1-based): chr16:75,656,565, T>C. VCF-style: chr16-75656565-T-C. GRCh37 (hg19) VCF-style: chr16-75690463-T-C.
Other names: short protein forms F385S.
Identifiers: ClinVar variation 3325437 (VCV003325437.1).